The following is an entry in ClinVar:

NM_024782.3(NHEJ1):c.569_570insTTTTTTTTTTTTTTTTTTTTNNNNNNNNNNCTGTCCTCGTGATACGCCCGCCTCGGCCTCCCAAAGTGCTGGGATTACAGGCGTGAGCCACCGCGCCCGGCCGAAAATTCCTTCTT (p.Leu190fs)

Gene: NHEJ1 (non-homologous end joining factor 1; minus strand). Cytogenetic location: 2q35.
Variant type: Microsatellite.
Coding change: c.569_570insTTTTTTTTTTTTTTTTTTTTNNNNNNNNNNCTGTCCTCGTGATACGCCCGCCTCGGCCTCCCAAAGTGCTGGGATTACAGGCGTGAGCCACCGCGCCCGGCCGAAAATTCCTTCTT on transcript NM_024782.3 (MANE Select); coding-DNA positions 569 to 570, TTTTTTTTTTTTTTTTTTTTNNNNNNNNNNCTGTCCTCGTGATACGCCCGCCTCGGCCTCCCAAAGTGCTGGGATTACAGGCGTGAGCCACCGCGCCCGGCCGAAAATTCCTTCTT inserted.
Protein change: p.Leu190fs; shifts the reading frame from leucine 190.
Molecular consequence: frameshift variant. On other transcripts: non-coding transcript variant (1).
Genome position: GRCh38: chr2:219,146,699-219,146,712. GRCh37 (hg19): chr2:220,011,421-220,011,434.
Other names: c.569_570insTTTTTTTTTTTTTTTTTTTTNNNNNNNNNNCTGTCCTCGTGATACGCCCGCCTCGGCCTCCCAAAGTGCTGGGATTACAGGCGTGAGCCACCGCGCCCGGCCGAAAATTCCTTCTT, p.Leu190fs (NM_001377498.1, NM_001377499.1); short protein forms L190fs.
Identifiers: ClinVar variation 1458287 (VCV001458287.6).

ClinVar aggregate classification (germline): Pathogenic (1 of 4 stars; one submission).

Conditions:
Cernunnos-XLF deficiency (IMD124). Also called: Severe combined immunodeficiency with sensitivity to ionizing radiation due to NHEJ1 deficiency; SCID, autosomal recessive, T cell-negative, B cell-negative, NK cell-positive, and sensitivity to ionizing radiation due to NHEJ1 deficiency; IMMUNODEFICIENCY 124, SEVERE COMBINED; SCID, AUTOSOMAL RECESSIVE, T CELL-NEGATIVE, B CELL-NEGATIVE, NK CELL-POSITIVE, WITH MICROCEPHALY, GROWTH RETARDATION, AND SENSITIVITY TO IONIZING RADIATION; NHEJ1 SYNDROME. Identifiers: Orphanet 169079, MedGen C1969799, MONDO:0012650, OMIM 611291.

Submission:

Labcorp Genetics (formerly Invitae), Labcorp
Classification: Pathogenic for Cernunnos-XLF deficiency. Last evaluated: 2021-09-02. Review status: criteria provided, single submitter. Criteria: Invitae Variant Classification Sherloc (09022015). Collection method: clinical testing. Allele origin: germline.
Comment: Algorithms developed to predict the effect of sequence changes on RNA splicing suggest that this variant may create or strengthen a splice site. This sequence change inserts a large fragment of DNA, likely a transposable element, in exon 5 of the NHEJ1 gene (c.569_570ins?), causing a frameshift at codon 190 (p.Leu190Phefs). The exact size and sequence of the insertion cannot be determined by the current assay. However, the insertion is expected to result in an absent or disrupted protein product. This variant is not present in population databases (ExAC no frequency). This variant has not been reported in the literature in individuals affected with NHEJ1-related conditions. Retrotransposon insertions including LINE1 (L1), Alu, and SVA (SINE-VNTR-Alu) have been reported to be disease-causing through disruption of either a coding region or splice site (PMID: 19763152, 20307669, 22406018) and loss-of-function variants in NHEJ1 are known to be pathogenic (PMID: 16439204, 20597108). For these reasons, this variant has been classified as Pathogenic.

Literature cited by the submitters: PubMed 19763152; PubMed 20307669; PubMed 22406018; PubMed 16439204; PubMed 20597108.